The following is an entry in ClinVar:

NM_004247.4(EFTUD2):c.2645G>T (p.Gly882Val)

Gene: EFTUD2 (elongation factor Tu GTP binding domain containing 2; minus strand). Cytogenetic location: 17q21.31.
Variant type: single nucleotide variant.
Coding change: c.2645G>T on transcript NM_004247.4 (MANE Select); coding-DNA position 2645, G replaced by T.
Protein change: p.Gly882Val; replaces glycine 882 with valine.
Molecular consequence: missense variant.
Genome position (GRCh38, 1-based): chr17:44,852,479, C>A on the plus strand (G>T on the coding strand, the complement: EFTUD2 is on the minus strand). VCF-style: chr17-44852479-C-A. GRCh37 (hg19) VCF-style: chr17-42929847-C-A.
Other names: c.2540G>T, p.Gly847Val (NM_001142605.2); c.2645G>T, p.Gly882Val (NM_001258353.2); c.2615G>T, p.Gly872Val (NM_001258354.2); short protein forms G847V, G872V, G882V.
Identifiers: ClinVar variation 1302657 (VCV001302657.2), dbSNP rs2145431448, ClinGen allele CA399838766.

ClinVar aggregate classification (germline): Uncertain significance (1 of 4 stars; one submission).

Submission:

GeneDx
Classification: Uncertain significance. Last evaluated: 2019-05-14. Review status: criteria provided, single submitter. Criteria: GeneDx Variant Classification Process June 2021. Collection method: clinical testing. Allele origin: germline. Affected: yes.
Comment: Not observed in large population cohorts (Lek et al., 2016); In silico analysis, which includes protein predictors and evolutionary conservation, supports a deleterious effect; Has not been previously published as pathogenic or benign to our knowledge